The following is an entry in ClinVar:

ClinVar aggregate classification (germline): Likely benign (1 of 4 stars; one submission).

Conditions:
Cystic fibrosis (CF). Also called: MUCOVISCIDOSIS. Identifiers: Orphanet 586, MedGen C0010674, MONDO:0009061, OMIM 219700. Disease mechanism: loss of function.

gnomAD v4.1: 3 of 152,146 alleles (0.002%); highest among the groups gnomAD compares: South Asian, 0.021%; no homozygotes.

Submission:

Johns Hopkins Genomics, Johns Hopkins University
Classification: Likely benign for Cystic fibrosis. Last evaluated: 2024-04-10. Review status: criteria provided, single submitter. Criteria: ACMG Guidelines, 2015. Collection method: clinical testing. Allele origin: germline.
Comment: PM2, BP4, BP7

NM_000492.4(CFTR):c.273+6380C>T

Gene: CFTR (CF transmembrane conductance regulator; plus strand). Cytogenetic location: 7q31.2.
Variant type: single nucleotide variant.
Coding change: c.273+6380C>T on transcript NM_000492.4 (MANE Select); 6380 bases into the intron after coding-DNA position 273, C replaced by T.
Molecular consequence: intron variant.
Genome position (GRCh38, 1-based): chr7:117,515,522, C>T. VCF-style: chr7-117515522-C-T. GRCh37 (hg19) VCF-style: chr7-117155576-C-T.
Identifiers: ClinVar variation 4280013 (VCV004280013.1).